The following is an entry in ClinVar:

ClinVar aggregate classification (germline): Uncertain significance (1 of 4 stars; one submission).

Conditions:
Congenital sideroblastic anemia-B-cell immunodeficiency-periodic fever-developmental delay syndrome. Also called: Sideroblastic anemia with B-cell immunodeficiency, periodic fevers, and developmental delay. Identifiers: Orphanet 369861, MedGen C4015172, MONDO:0014487, OMIM 616084.

Allele frequency attached by ClinVar (database versions not stated): gnomAD exomes below 0.00001; ExAC 0.00001; ESP Exome Variant Server 0.00008.
gnomAD v4.1: 5 of 1,587,358 alleles (0.00031%); highest among the groups gnomAD compares: Non-Finnish European, 0.00043%; no homozygotes.

Submission:

Labcorp Genetics (formerly Invitae), Labcorp
Classification: Uncertain significance for Congenital sideroblastic anemia-B-cell immunodeficiency-periodic fever-developmental delay syndrome. Last evaluated: 2022-01-26. Review status: criteria provided, single submitter. Criteria: Invitae Variant Classification Sherloc (09022015). Collection method: clinical testing. Allele origin: germline.
Comment: This sequence change replaces phenylalanine, which is neutral and non-polar, with leucine, which is neutral and non-polar, at codon 170 of the TRNT1 protein (p.Phe170Leu). This variant is present in population databases (rs371733557, gnomAD 0.0009%). This variant has not been reported in the literature in individuals affected with TRNT1-related conditions. Algorithms developed to predict the effect of missense changes on protein structure and function are either unavailable or do not agree on the potential impact of this missense change (SIFT: "Tolerated"; PolyPhen-2: "Possibly Damaging"; Align-GVGD: "Class C0"). In summary, the available evidence is currently insufficient to determine the role of this variant in disease. Therefore, it has been classified as a Variant of Uncertain Significance.

NM_182916.3(TRNT1):c.510T>A (p.Phe170Leu)

Gene: TRNT1 (tRNA nucleotidyl transferase 1; plus strand). Cytogenetic location: 3p26.2.
Variant type: single nucleotide variant.
Coding change: c.510T>A on transcript NM_182916.3 (MANE Select); coding-DNA position 510, T replaced by A.
Protein change: p.Phe170Leu; replaces phenylalanine 170 with leucine.
Molecular consequence: missense variant. On other transcripts: non-coding transcript variant (8).
Genome position (GRCh38, 1-based): chr3:3,144,612, T>A. VCF-style: chr3-3144612-T-A. GRCh37 (hg19) VCF-style: chr3-3186296-T-A.
Other names: c.510T>A, p.Phe170Leu (NM_001302946.2, NM_001367321.1, NM_001367322.1 and 1 more transcripts); short protein forms F170L.
Identifiers: ClinVar variation 1382091 (VCV001382091.3), dbSNP rs371733557, ClinGen allele CA2228704.